The following is an entry in ClinVar:

ClinVar aggregate classification (germline): Uncertain significance. Review status: criteria provided, multiple submitters, no conflicts (2 of 4 stars). 3 submissions from 3 submitters: Uncertain significance (3). Last evaluated 2025-09-05.

Conditions:
Hereditary cancer-predisposing syndrome. Also called: Neoplastic Syndromes, Hereditary; Tumor predisposition; Hereditary neoplastic syndrome; Hereditary Cancer Syndrome. Identifiers: Orphanet 140162, MedGen C0027672, MeSH D009386, MONDO:0015356.
Multiple endocrine neoplasia, type 2 (MEN2). Identifiers: Orphanet 653, MedGen C4048306, MONDO:0019003. Disease mechanism: gain of function.

gnomAD v4.1: 1 of 1,613,166 alleles (0.000062%); highest among the groups gnomAD compares: Non-Finnish European, 0.000085%; no homozygotes.

Submissions (3):

Color Diagnostics, LLC DBA Color Health
Classification: Uncertain significance for Multiple endocrine neoplasia, type 2. Last evaluated: 2025-09-05. Review status: criteria provided, single submitter. Criteria: ACMG Guidelines, 2015. Collection method: clinical testing. Allele origin: germline.
Comment: This missense variant replaces glycine with arginine at codon 607 of the RET protein. Computational prediction suggests that this variant may have deleterious impact on protein structure and function. To our knowledge, functional studies have not been reported for this variant. This variant has not been reported in individuals affected with RET-related disorders in the literature. This variant has not been identified in the general population by the Genome Aggregation Database (gnomAD). The available evidence is insufficient to determine the role of this variant in disease conclusively. Therefore, this variant is classified as a Variant of Uncertain Significance.

GeneDx
Classification: Uncertain significance. Last evaluated: 2025-02-13. Review status: criteria provided, single submitter. Criteria: GeneDx Variant Classification Process June 2021. Collection method: clinical testing. Allele origin: germline. Affected: yes.
Comment: Not observed at significant frequency in large population cohorts (gnomAD); In silico analysis supports that this missense variant has a deleterious effect on protein structure/function; Has not been previously published as pathogenic or benign to our knowledge; This variant is associated with the following publications: (PMID: 14633923)

Ambry Genetics
Classification: Uncertain significance for Hereditary cancer-predisposing syndrome. Last evaluated: 2024-06-15. Review status: criteria provided, single submitter. Criteria: Ambry Variant Classification Scheme 2023. Collection method: clinical testing. Allele origin: germline.
Comment: The p.G607R variant (also known as c.1819G>C), located in coding exon 10 of the RET gene, results from a G to C substitution at nucleotide position 1819. The glycine at codon 607 is replaced by arginine, an amino acid with dissimilar properties. This amino acid position is conserved. In addition, this alteration is predicted to be deleterious by in silico analysis. Based on the available evidence, the clinical significance of this variant remains unclear.

NM_020975.6(RET):c.1819G>C (p.Gly607Arg)

Gene: RET (ret proto-oncogene; plus strand). Cytogenetic location: 10q11.21.
Variant type: single nucleotide variant.
Coding change: c.1819G>C on transcript NM_020975.6 (MANE Select); coding-DNA position 1819, G replaced by C.
Protein change: p.Gly607Arg; replaces glycine 607 with arginine.
Molecular consequence: missense variant. On other transcripts: intron variant (2).
Genome position (GRCh38, 1-based): chr10:43,113,615, G>C. VCF-style: chr10-43113615-G-C. GRCh37 (hg19) VCF-style: chr10-43609063-G-C.
Other names: c.1057G>C, p.Gly353Arg (NM_001355216.2); c.1819G>C, p.Gly607Arg (NM_001406743.1, NM_001406744.1, NM_001406759.1 and 4 more transcripts); c.1690G>C, p.Gly564Arg (NM_001406761.1, NM_001406762.1, NM_001406764.1 and 1 more transcripts); c.1531G>C, p.Gly511Arg (NM_001406766.1, NM_001406767.1, NM_001406770.1); c.1423G>C, p.Gly475Arg (NM_001406769.1, NM_001406772.1); c.922G>C, p.Gly308Arg (NM_001406780.1, NM_001406781.1, NM_001406782.1 and 2 more transcripts); c.793G>C, p.Gly265Arg (NM_001406783.1, NM_001406786.1); c.829G>C, p.Gly277Arg (NM_001406784.1); and 7 more; short protein forms G353R, G365R, G511R, G607R, G212R, G432R, G265R, G308R.
Identifiers: ClinVar variation 3313749 (VCV003313749.3).